The following is an entry in ClinVar:

ClinVar aggregate classification (germline): Uncertain significance (1 of 4 stars; one submission).

Conditions:
IFT172-related disorder. Also called: IFT172-related condition; IFT172-related disorders.

gnomAD v4.1: 2 of 1,614,204 alleles (0.00012%); highest among the groups gnomAD compares: Non-Finnish European, 0.000085%; no homozygotes.

Submission:

PreventionGenetics, part of Exact Sciences
Classification: Uncertain significance for IFT172-related condition. Last evaluated: 2026-09-15. Review status: criteria provided, single submitter. Criteria: ACMG Guidelines, 2015. Collection method: clinical testing. Allele origin: germline.
Comment: The IFT172 c.2348C>T variant is predicted to result in the amino acid substitution p.Ala783Val. To our knowledge, this variant has not been reported in the literature. This variant is reported in 0.0099% of alleles in individuals of Ashkenazi Jewish descent in gnomAD. At this time, the clinical significance of this variant is uncertain due to the absence of conclusive functional and genetic evidence.

NM_015662.3(IFT172):c.2348C>T (p.Ala783Val)

Gene: IFT172 (intraflagellar transport 172; minus strand). Cytogenetic location: 2p23.3.
Variant type: single nucleotide variant.
Coding change: c.2348C>T on transcript NM_015662.3 (MANE Select); coding-DNA position 2348, C replaced by T.
Protein change: p.Ala783Val; replaces alanine 783 with valine.
Molecular consequence: missense variant.
Genome position (GRCh38, 1-based): chr2:27,461,363, G>A on the plus strand (C>T on the coding strand, the complement: IFT172 is on the minus strand). VCF-style: chr2-27461363-G-A. GRCh37 (hg19) VCF-style: chr2-27684230-G-A.
Other names: c.2282C>T, p.Ala761Val (NM_001410739.1); short protein forms A761V, A783V.
Identifiers: ClinVar variation 4992707 (VCV004992707.1).